The following is an entry in ClinVar:

ClinVar aggregate classification (germline): Conflicting classifications of pathogenicity. Review status: criteria provided, conflicting classifications (1 of 4 stars). 12 submissions from 12 submitters: Uncertain significance (8); Likely benign (4). Last evaluated 2026-03-27.

Conditions:
Cardiomyopathy (CMYO). Also called: Cardiomyopathies. Identifiers: Orphanet 167848, MedGen C0878544, MONDO:0004994, HP:0001638. Inheritance: Various modes of inheritance.
TTN-related disorder. Also called: TTN-related condition; TTN-related disease; TTN-related disorders.
Autosomal recessive limb-girdle muscular dystrophy type 2J (LGMDR10). Also called: Limb-girdle muscular dystrophy, type 2J; MUSCULAR DYSTROPHY, LIMB-GIRDLE, AUTOSOMAL RECESSIVE 10. Identifiers: Orphanet 140922, MedGen C1837342, MONDO:0012127, OMIM 608807.
Dilated cardiomyopathy 1G (CMD1G). Identifiers: Orphanet 154, MedGen C1858763, MONDO:0011400, OMIM 604145.
Cardiovascular phenotype. Identifiers: MedGen CN230736.

Allele frequency attached by ClinVar (database versions not stated): TOPMed 0.00011; ESP Exome Variant Server 0.00016.
gnomAD v4.1: 262 of 1,613,326 alleles (0.016%); highest among the groups gnomAD compares: Non-Finnish European, 0.021%; no homozygotes.

Submissions (12):

Molecular Diagnostic Laboratory for Inherited Cardiovascular Disease, Montreal Heart Institute
Classification: Likely benign. Last evaluated: 2026-03-27. Review status: criteria provided, single submitter. Criteria: ACMG Guidelines, 2015. Collection method: clinical testing. Allele origin: germline. Affected: no.

PreventionGenetics, part of Exact Sciences
Classification: Uncertain significance for TTN-related condition. Last evaluated: 2026-03-24. Review status: criteria provided, single submitter. Criteria: ACMG Guidelines, 2015. Collection method: clinical testing. Allele origin: germline.
Comment: The TTN c.81527G>T variant is predicted to result in the amino acid substitution p.Arg27176Leu. This variant has been reported as a variant of uncertain significance in an individual with hypertrophic cardiomyopathy (described as p.Arg24608Leu in Supplementary File 2, van Lint et al. 2019. PubMed ID: 30847666). This variant is reported in 0.023% of alleles in individuals of European (Non-Finnish) descent in gnomAD. Although we suspect that this variant may be benign, at this time, the clinical significance of this variant is uncertain due to the absence of conclusive functional and genetic evidence.

CeGaT Center for Human Genetics Tuebingen
Classification: Uncertain significance. Last evaluated: 2025-12-01. Review status: criteria provided, single submitter. Criteria: CeGaT Center For Human Genetics Tuebingen Variant Classification Criteria Version 2. Collection method: clinical testing. Allele origin: germline. Affected: yes. Observed: 2 variant alleles.
Comment: TTN: PM2

Women's Health and Genetics/Laboratory Corporation of America, LabCorp
Classification: Uncertain significance. Last evaluated: 2025-11-03. Review status: criteria provided, single submitter. Criteria: LabCorp Variant Classification Summary - May 2015. Collection method: clinical testing. Allele origin: germline.
Comment: Variant summary: TTN c.73823G>T (p.Arg24608Leu) results in a non-conservative amino acid change located in the A-band of the encoded protein sequence. Algorithms developed to predict the effect of missense changes on protein structure and function are either unavailable or do not agree on the potential impact of this missense change. The variant allele was found at a frequency of 0.00012 in 248196 control chromosomes. This frequency is not significantly higher than estimated for disease-causing variants in TTN, allowing no conclusion about variant significance. To our knowledge, no occurrence of c.73823G>T in individuals affected with TTN-related conditions and no experimental evidence demonstrating its impact on protein function have been reported. ClinVar contains an entry for this variant (Variation ID: 404875). Based on the evidence outlined above, the variant was classified as uncertain significance.

Revvity Omics, Revvity
Classification: Uncertain significance. Last evaluated: 2025-04-02. Review status: criteria provided, single submitter. Criteria: ACMG Guidelines, 2015. Collection method: clinical testing. Allele origin: germline.

Blueprint Genetics
Classification: Likely benign. Last evaluated: 2024-08-16. Review status: criteria provided, single submitter. Criteria: ACMG Guidelines, 2015. Collection method: clinical testing. Allele origin: germline.

Athena Diagnostics
Classification: Uncertain significance. Last evaluated: 2024-02-20. Review status: criteria provided, single submitter. Criteria: Athena Diagnostics Criteria. Collection method: clinical testing. Allele origin: unknown.

Mayo Clinic Laboratories, Mayo Clinic
Classification: Uncertain significance. Last evaluated: 2023-05-02. Review status: criteria provided, single submitter. Criteria: ACMG Guidelines, 2015. Collection method: clinical testing. Allele origin: germline. Observed: 2 variant alleles.
Comment: BP4

Ambry Genetics
Classification: Likely benign for Cardiovascular phenotype. Last evaluated: 2020-07-14. Review status: criteria provided, single submitter. Criteria: Ambry Variant Classification Scheme 2023. Collection method: clinical testing. Allele origin: germline.

GeneDx
Classification: Likely benign. Last evaluated: 2018-03-01. Review status: criteria provided, single submitter. Criteria: GeneDx Variant Classification (06012015). Collection method: clinical testing. Allele origin: germline. Affected: yes.
Comment: This variant is considered likely benign or benign based on one or more of the following criteria: it is a conservative change, it occurs at a poorly conserved position in the protein, it is predicted to be benign by multiple in silico algorithms, and/or has population frequency not consistent with disease.

Labcorp Genetics (formerly Invitae), Labcorp
Classification: Uncertain significance for Dilated cardiomyopathy 1G; Autosomal recessive limb-girdle muscular dystrophy type 2J. Last evaluated: 2017-08-16. Review status: criteria provided, single submitter. Criteria: Invitae Variant Classification Sherloc (09022015). Collection method: clinical testing. Allele origin: germline.

CHEO Genetics Diagnostic Laboratory, Children's Hospital of Eastern Ontario
Classification: Uncertain significance for Cardiomyopathy. Last evaluated: 2016-06-17. Review status: criteria provided, single submitter. Criteria: ACMG Guidelines, 2015. Collection method: clinical testing. Allele origin: germline. Study: Canadian Open Genetics Repository.

Literature cited by the submitters: PubMed 30847666 (cited by Athena Diagnostics); PubMed 29420653 (cited by Athena Diagnostics); PubMed 29590070 (cited by Ambry Genetics).

NM_001267550.2(TTN):c.81527G>T (p.Arg27176Leu)

Genes: TTN (titin; minus strand), TTN-AS1 (TTN antisense RNA 1; plus strand). Cytogenetic location: 2q31.2.
Variant type: single nucleotide variant.
Coding change: c.81527G>T on transcript NM_001267550.2 (MANE Select); coding-DNA position 81527, G replaced by T.
Protein change: p.Arg27176Leu; replaces arginine 27176 with leucine.
Molecular consequence: missense variant.
Genome position (GRCh38, 1-based): chr2:178,564,605, C>A on the plus strand (G>T on the coding strand, the complement: TTN is on the minus strand). VCF-style: chr2-178564605-C-A. GRCh37 (hg19) VCF-style: chr2-179429332-C-A.
Other names: p.Arg24608Leu; c.76604G>T, p.Arg25535Leu (NM_001256850.1); c.54332G>T, p.Arg18111Leu (NM_003319.4); c.73823G>T, p.Arg24608Leu (NM_133378.4); c.54707G>T, p.Arg18236Leu (NM_133432.3); c.54908G>T, p.Arg18303Leu (NM_133437.4); c.81527G>T (NM_001267550.1); short protein forms R27176L, R25535L, R18111L, R18236L, R24608L, R18303L.
Identifiers: ClinVar variation 404875 (VCV000404875.44), dbSNP rs199726308, ClinGen allele CA1989195.
Genomic context (GRCh38, chr2:178,564,605, plus strand): 5'-TAGGCAGGTTTCTTCCATTTCAGTGTGACATTGTTTCTTGTAATAACAATGGCTTCAGGG[C>A]GACCAGGTGGGTCACATGGATCACGAGCAACAAAGCATTCTGACACTTTGCTAGGCTTGC-3'
Protein context (NP_001254479.2, residues 27166-27186): VARDPCDPPG[Arg27176Leu]PEAIVITRNN